The following is an entry in ClinVar:

NM_004618.5(TOP3A):c.815-2A>G

Gene: TOP3A (DNA topoisomerase III alpha; minus strand). Cytogenetic location: 17p11.2.
Variant type: single nucleotide variant.
Coding change: c.815-2A>G on transcript NM_004618.5 (MANE Select); the canonical splice acceptor site of the intron before coding-DNA position 815, A replaced by G.
Molecular consequence: splice acceptor variant.
Genome position (GRCh38, 1-based): chr17:18,301,987, T>C on the plus strand (A>G on the coding strand, the complement: TOP3A is on the minus strand). VCF-style: chr17-18301987-T-C. GRCh37 (hg19) VCF-style: chr17-18205301-T-C.
Other names: c.530-2A>G (NM_001320759.2).
Identifiers: ClinVar variation 2129441 (VCV002129441.4), dbSNP rs773789551, ClinGen allele CA8430110.

ClinVar aggregate classification (germline): Likely pathogenic (1 of 4 stars; one submission).

Allele frequency attached by ClinVar (database versions not stated): ExAC 0.00001.

Submission:

Labcorp Genetics (formerly Invitae), Labcorp
Classification: Likely pathogenic. Last evaluated: 2022-05-03. Review status: criteria provided, single submitter. Criteria: Invitae Variant Classification Sherloc (09022015). Collection method: clinical testing. Allele origin: germline.
Comment: In summary, the currently available evidence indicates that the variant is pathogenic, but additional data are needed to prove that conclusively. Therefore, this variant has been classified as Likely Pathogenic. Algorithms developed to predict the effect of sequence changes on RNA splicing suggest that this variant may disrupt the consensus splice site. This variant has not been reported in the literature in individuals affected with TOP3A-related conditions. This variant is present in population databases (rs773789551, gnomAD 0.0009%). This sequence change affects an acceptor splice site in intron 7 of the TOP3A gene. It is expected to disrupt RNA splicing. Variants that disrupt the donor or acceptor splice site typically lead to a loss of protein function (PMID: 16199547), and loss-of-function variants in TOP3A are known to be pathogenic (PMID: 30057030).

Literature cited by the submitters: PubMed 16199547; PubMed 30057030.